The following is an entry in ClinVar:

ClinVar aggregate classification (germline): Pathogenic. Review status: criteria provided, multiple submitters, no conflicts (2 of 4 stars). 2 submissions from 2 submitters: Pathogenic (2). Last evaluated 2024-06-14.

Conditions:
Neurodevelopmental disorder with growth retardation, dysmorphic facies, and corpus callosum abnormalities. Identifiers: MedGen C5774251, MONDO:0859312, OMIM 620113.

Submissions (2):

3billion
Classification: Pathogenic for Neurodevelopmental disorder with growth retardation, dysmorphic facies, and corpus callosum abnormalities. Last evaluated: 2024-06-14. Review status: criteria provided, single submitter. Criteria: ACMG Guidelines, 2015. Collection method: clinical testing. Allele origin: germline. Affected: yes.
Comment: The variant is observed at an extremely low frequency in the gnomAD v4.0.0 dataset (total allele frequency: 0.002%). Predicted Consequence/Location: Frameshift: predicted to result in a loss or disruption of normal protein function through nonsense-mediated decay (NMD) or protein truncation. Multiple pathogenic variants are reported downstream of the variant. The variant has been reported to be associated with FRA10AC1-related disorder (ClinVar ID: VCV002682558). Therefore, this variant is classified as Pathogenic according to the recommendation of ACMG/AMP guideline.

Women's Health and Genetics/Laboratory Corporation of America, LabCorp
Classification: Pathogenic for Neurodevelopmental disorder with growth retardation, dysmorphic facies, and corpus callosum abnormalities. Last evaluated: 2023-11-15. Review status: criteria provided, single submitter. Criteria: LabCorp Variant Classification Summary - May 2015. Collection method: clinical testing. Allele origin: germline.
Comment: Variant summary: FRA10AC1 c.51_52delTG (p.Cys17TrpfsX12) results in a premature termination codon, predicted to cause a truncation of the encoded protein or absence of the protein due to nonsense mediated decay, which are commonly known mechanisms for disease. The variant allele was found at a frequency of 2e-05 in 247944 control chromosomes. To our knowledge, no occurrence of c.51_52delTG in individuals affected with Neurodevelopmental Disorder With Growth Retardation, Dysmorphic Facies, And Corpus Callosum Abnormalities and no experimental evidence demonstrating its impact on protein function have been reported. No submitters have cited clinical-significance assessments for this variant to ClinVar after 2014. Based on the evidence outlined above, the variant was classified as pathogenic.

NM_145246.5(FRA10AC1):c.51_52del (p.Cys17fs)

Gene: FRA10AC1 (FRA10A associated CGG repeat 1; minus strand). Cytogenetic location: 10q23.33.
Variant type: Microsatellite.
Coding change: c.51_52del on transcript NM_145246.5 (MANE Select); coding-DNA positions 51 to 52, 2 bases deleted (TG; older notation c.51_52delTG).
Protein change: p.Cys17fs; shifts the reading frame from cysteine 17.
Molecular consequence: frameshift variant. On other transcripts: non-coding transcript variant (1).
Genome position (GRCh38, 1-based): chr10:93,700,055-93,700,056, CA deleted on the plus strand (TG on the coding strand, the reverse complement: FRA10AC1 is on the minus strand); deleting any 2 consecutive bases within chr10:93,700,055-93,700,058 gives the same sequence; the c. name uses the placement nearest the transcript's 3' end. VCF-style (leftmost placement, unchanged base first): chr10-93700054-CCA-C. GRCh37 (hg19) VCF-style: chr10-95459811-CCA-C.
Other names: c.51_52del, p.Cys17fs (NM_001347712.2, NM_001347713.2, NM_001347714.2 and 1 more transcripts); c.51_52delTG (NM_145246.5); short protein forms C17fs.
Identifiers: ClinVar variation 2682558 (VCV002682558.2), dbSNP rs764976937, ClinGen allele CA5610960.